The following is an entry in ClinVar:

ClinVar aggregate classification (germline): Uncertain significance (1 of 4 stars; one submission).

Conditions:
Jeune thoracic dystrophy. Also called: Jeune syndrome; Infantile thoracic dystrophy; Thoracic pelvic phalangeal dystrophy; Jeune's syndrome; Chondroectodermal dysplasia-like syndrome; Short-rib thoracic dysplasia. Identifiers: Orphanet 474, MedGen C0265275, MONDO:0018770.

Submission:

Labcorp Genetics (formerly Invitae), Labcorp
Classification: Uncertain significance for Jeune thoracic dystrophy. Last evaluated: 2022-10-13. Review status: criteria provided, single submitter. Criteria: Invitae Variant Classification Sherloc (09022015). Collection method: clinical testing. Allele origin: germline.
Comment: In summary, the available evidence is currently insufficient to determine the role of this variant in disease. Therefore, it has been classified as a Variant of Uncertain Significance. This sequence change replaces proline, which is neutral and non-polar, with arginine, which is basic and polar, at codon 410 of the IFT80 protein (p.Pro410Arg). This variant is not present in population databases (gnomAD no frequency). This variant has not been reported in the literature in individuals affected with IFT80-related conditions. Advanced modeling of protein sequence and biophysical properties (such as structural, functional, and spatial information, amino acid conservation, physicochemical variation, residue mobility, and thermodynamic stability) performed at Invitae indicates that this missense variant is not expected to disrupt IFT80 protein function.

NM_020800.3(IFT80):c.1229C>G (p.Pro410Arg)

Genes: IFT80 (intraflagellar transport 80; minus strand), TRIM59-IFT80 (TRIM59-IFT80 readthrough (NMD candidate); minus strand). Cytogenetic location: 3q25.33.
Variant type: single nucleotide variant.
Coding change: c.1229C>G on transcript NM_020800.3 (MANE Select); coding-DNA position 1229, C replaced by G.
Protein change: p.Pro410Arg; replaces proline 410 with arginine.
Molecular consequence: missense variant. On other transcripts: non-coding transcript variant (3).
Genome position (GRCh38, 1-based): chr3:160,300,969, G>C on the plus strand (C>G on the coding strand, the complement: IFT80 is on the minus strand). VCF-style: chr3-160300969-G-C. GRCh37 (hg19) VCF-style: chr3-160018757-G-C.
Other names: c.818C>G, p.Pro273Arg (NM_001190241.2, NM_001190242.2); short protein forms P273R, P410R.
Identifiers: ClinVar variation 2105657 (VCV002105657.4), dbSNP rs148396265, ClinGen allele CA355193663.
Genomic context (GRCh38, chr3:160,300,969, plus strand): 5'-GCTATGGTATCATTACTCAAAGACACAGTCTGTGCATTCAGAATATCTGTTCTCATTCCA[G>C]GAAATTTTGGAGATGAAATAAAGCGCCCTTCATATGAATATAAATAGATACTACTACCAT-3'
Protein context (NP_065851.1, residues 400-420): EGRFISSPKF[Pro410Arg]GMRTDILNAQ